The following is an entry in ClinVar:

ClinVar aggregate classification (germline): Likely benign (1 of 4 stars; one submission).

Submission:

CeGaT Center for Human Genetics Tuebingen
Classification: Likely benign. Last evaluated: 2022-12-01. Review status: criteria provided, single submitter. Criteria: CeGaT Center For Human Genetics Tuebingen Variant Classification Criteria Version 2. Collection method: clinical testing. Allele origin: germline. Affected: yes. Observed: 1 variant allele.
Comment: LAMA5: PM2:Supporting, BP4, BP7

NM_005560.6(LAMA5):c.8592G>A (p.Glu2864=)

Gene: LAMA5 (laminin subunit alpha 5; minus strand). Cytogenetic location: 20q13.33.
Variant type: single nucleotide variant.
Coding change: c.8592G>A on transcript NM_005560.6 (MANE Select); coding-DNA position 8592, G replaced by A.
Protein change: p.Glu2864=; no amino-acid change (glutamic acid 2864 retained).
Molecular consequence: synonymous variant.
Genome position (GRCh38, 1-based): chr20:62,313,715, C>T on the plus strand (G>A on the coding strand, the complement: LAMA5 is on the minus strand). VCF-style: chr20-62313715-C-T. GRCh37 (hg19) VCF-style: chr20-60888771-C-T.
Identifiers: ClinVar variation 2652478 (VCV002652478.24), dbSNP rs2516661952, ClinGen allele CA511114434.